The following is an entry in ClinVar:

ClinVar aggregate classification (germline): Benign/Likely benign. Review status: criteria provided, multiple submitters, no conflicts (2 of 4 stars). 4 submissions from 4 submitters: Benign (3); Likely benign (1). Last evaluated 2026-01-25.

Conditions:
Cardiovascular phenotype. Identifiers: MedGen CN230736.

Allele frequency attached by ClinVar (database versions not stated): gnomAD exomes 0.00021 and 0.00080; TOPMed 0.00060; gnomAD 0.00070; ExAC 0.00077; 1000 Genomes Project 30x 0.00172; 1000 Genomes Project 0.00220.
gnomAD v4.1: 381 of 1,614,106 alleles (0.024%); highest among the groups gnomAD compares: East Asian, 0.77%; 2 homozygotes.

Submissions (4):

Labcorp Genetics (formerly Invitae), Labcorp
Classification: Benign. Last evaluated: 2026-01-25. Review status: criteria provided, single submitter. Criteria: Invitae Variant Classification Sherloc (09022015). Collection method: clinical testing. Allele origin: germline.

Mayo Clinic Laboratories, Mayo Clinic
Classification: Benign. Last evaluated: 2025-08-18. Review status: criteria provided, single submitter. Criteria: ACMG Guidelines, 2015. Collection method: clinical testing. Allele origin: germline. Observed: 1 variant allele.
Comment: BS1, BS2, BP4

Ambry Genetics
Classification: Benign for Cardiovascular phenotype. Last evaluated: 2019-06-27. Review status: criteria provided, single submitter. Criteria: Ambry Variant Classification Scheme 2023. Collection method: clinical testing. Allele origin: germline.

GeneDx
Classification: Likely benign. Last evaluated: 2018-05-17. Review status: criteria provided, single submitter. Criteria: GeneDx Variant Classification (06012015). Collection method: clinical testing. Allele origin: germline. Affected: yes.
Comment: This variant is considered likely benign or benign based on one or more of the following criteria: it is a conservative change, it occurs at a poorly conserved position in the protein, it is predicted to be benign by multiple in silico algorithms, and/or has population frequency not consistent with disease.

NM_018699.4(PRDM5):c.342A>C (p.Glu114Asp)

Gene: PRDM5 (PR/SET domain 5; minus strand). Cytogenetic location: 4q27.
Variant type: single nucleotide variant.
Coding change: c.342A>C on transcript NM_018699.4 (MANE Select); coding-DNA position 342, A replaced by C.
Protein change: p.Glu114Asp; replaces glutamic acid 114 with aspartic acid.
Molecular consequence: missense variant.
Genome position (GRCh38, 1-based): chr4:120,821,304, T>G on the plus strand (A>C on the coding strand, the complement: PRDM5 is on the minus strand). VCF-style: chr4-120821304-T-G. GRCh37 (hg19) VCF-style: chr4-121742459-T-G.
Other names: p.Glu114Asp; c.342A>C, p.Glu114Asp (NM_001300823.2, NM_001300824.2, NM_001379104.1 and 1 more transcripts); short protein forms E114D.
Identifiers: ClinVar variation 347451 (VCV000347451.17), dbSNP rs146228268, ClinGen allele CA3061413.